The following is an entry in ClinVar:

ClinVar aggregate classification (germline): Uncertain significance. Review status: criteria provided, multiple submitters, no conflicts (2 of 4 stars). 2 submissions from 2 submitters: Uncertain significance (2). Last evaluated 2023-02-10.

Conditions:
Inborn genetic diseases. Identifiers: MedGen C0950123, MeSH D030342.

Submissions (2):

Labcorp Genetics (formerly Invitae), Labcorp
Classification: Uncertain significance. Last evaluated: 2023-02-10. Review status: criteria provided, single submitter. Criteria: Invitae Variant Classification Sherloc (09022015). Collection method: clinical testing. Allele origin: germline.
Comment: This variant is not present in population databases (gnomAD no frequency). In summary, the available evidence is currently insufficient to determine the role of this variant in disease. Therefore, it has been classified as a Variant of Uncertain Significance. Algorithms developed to predict the effect of missense changes on protein structure and function are either unavailable or do not agree on the potential impact of this missense change (SIFT: "Deleterious"; PolyPhen-2: "Possibly Damaging"; Align-GVGD: "Class C0"). This variant has not been reported in the literature in individuals affected with ATR-related conditions. This sequence change replaces aspartic acid, which is acidic and polar, with valine, which is neutral and non-polar, at codon 284 of the ATR protein (p.Asp284Val).

Ambry Genetics
Classification: Uncertain significance for Inborn genetic diseases. Last evaluated: 2023-01-24. Review status: criteria provided, single submitter. Criteria: Ambry Variant Classification Scheme 2023. Collection method: clinical testing. Allele origin: germline.
Comment: The p.D284V variant (also known as c.851A>T), located in coding exon 4 of the ATR gene, results from an A to T substitution at nucleotide position 851. The aspartic acid at codon 284 is replaced by valine, an amino acid with highly dissimilar properties. This amino acid position is conserved. In addition, the in silico prediction for this alteration is inconclusive. Since supporting evidence is limited at this time, the clinical significance of this alteration remains unclear.

NM_001184.4(ATR):c.851A>T (p.Asp284Val)

Gene: ATR (ATR checkpoint kinase; minus strand). Cytogenetic location: 3q23.
Variant type: single nucleotide variant.
Coding change: c.851A>T on transcript NM_001184.4 (MANE Select); coding-DNA position 851, A replaced by T.
Protein change: p.Asp284Val; replaces aspartic acid 284 with valine.
Molecular consequence: missense variant.
Genome position (GRCh38, 1-based): chr3:142,562,551, T>A on the plus strand (A>T on the coding strand, the complement: ATR is on the minus strand). VCF-style: chr3-142562551-T-A. GRCh37 (hg19) VCF-style: chr3-142281393-T-A.
Other names: c.851A>T, p.Asp284Val (NM_001354579.2); short protein forms D284V.
Identifiers: ClinVar variation 2453575 (VCV002453575.5), dbSNP rs2473426838, ClinGen allele CA354825237.
Genomic context (GRCh38, chr3:142,562,551, plus strand): 5'-GGAAATAGTGTCTTTATCAGCTTTGATAATGGCTCTTCATAGAGTTTCAATTGGTCAGTA[T>A]CCATTTCTACAAGGTGTTTTAATAATTCCAAAAATGAGCTGAAAAAAGTGCTAGCTGGTT-3'
Protein context (NP_001175.2, residues 274-294): LELLKHLVEM[Asp284Val]TDQLKLYEEP